The following is an entry in ClinVar:

NM_005401.5(PTPN14):c.3137C>G (p.Thr1046Arg)

Gene: PTPN14 (protein tyrosine phosphatase non-receptor type 14; minus strand). Cytogenetic location: 1q32.3.
Variant type: single nucleotide variant.
Coding change: c.3137C>G on transcript NM_005401.5 (MANE Select); coding-DNA position 3137, C replaced by G.
Protein change: p.Thr1046Arg; replaces threonine 1046 with arginine.
Molecular consequence: missense variant.
Genome position (GRCh38, 1-based): chr1:214,369,591, G>C on the plus strand (C>G on the coding strand, the complement: PTPN14 is on the minus strand). VCF-style: chr1-214369591-G-C. GRCh37 (hg19) VCF-style: chr1-214542934-G-C.
Other names: short protein forms T1046R.
Identifiers: ClinVar variation 3025009 (VCV003025009.22), dbSNP rs61749333, ClinGen allele CA1388699.

ClinVar aggregate classification (germline): Likely benign (1 of 4 stars; one submission).

Allele frequency attached by ClinVar (database versions not stated): 1000 Genomes Project 30x 0.00109; ExAC 0.00116; ESP Exome Variant Server 0.00138; 1000 Genomes Project 0.00140.
gnomAD v4.1: 2,587 of 1,614,154 alleles (0.16%); highest among the groups gnomAD compares: South Asian, 0.26%; 6 homozygotes.

Submission:

CeGaT Center for Human Genetics Tuebingen
Classification: Likely benign. Last evaluated: 2023-12-01. Review status: criteria provided, single submitter. Criteria: CeGaT Center For Human Genetics Tuebingen Variant Classification Criteria Version 2. Collection method: clinical testing. Allele origin: germline. Affected: yes. Observed: 1 variant allele.
Comment: PTPN14: PP3, BS2